The following is an entry in ClinVar:

NM_201384.3(PLEC):c.1173G>A (p.Leu391=)

Gene: PLEC (plectin; minus strand). Cytogenetic location: 8q24.3.
Variant type: single nucleotide variant.
Coding change: c.1173G>A on transcript NM_201384.3 (MANE Select); coding-DNA position 1173, G replaced by A.
Protein change: p.Leu391=; no amino-acid change (leucine 391 retained).
Molecular consequence: synonymous variant.
Genome position (GRCh38, 1-based): chr8:143,934,088, C>T on the plus strand (G>A on the coding strand, the complement: PLEC is on the minus strand). VCF-style: chr8-143934088-C-T. GRCh37 (hg19) VCF-style: chr8-145008256-C-T.
Other names: c.1254G>A, p.Leu418= (NM_000445.5); c.1131G>A, p.Leu377= (NM_201378.4); c.1107G>A, p.Leu369= (NM_201379.3); c.1584G>A, p.Leu528= (NM_201380.4); c.1077G>A, p.Leu359= (NM_201381.3); c.1173G>A, p.Leu391= (NM_201382.4); c.1185G>A, p.Leu395= (NM_201383.3).
Identifiers: ClinVar variation 792678 (VCV000792678.12), dbSNP rs1554720259, ClinGen allele CA463434737.

ClinVar aggregate classification (germline): Likely benign. Review status: criteria provided, single submitter (1 of 4 stars). 2 submissions from 2 submitters: Likely benign (1). 1 of the submissions does not count toward it. Last evaluated 2025-09-09.

Conditions:
PLEC-related disorder. Also called: PLEC-related condition; PLEC-related disorders.
Epidermolysis bullosa simplex 5C, with pyloric atresia (EBS5C). Also called: PLEC-Related Epidermolysis Bullosa with Pyloric Atresia; Epidermolysis bullosa simplex with pyloric atresia; PLEC1-Related Epidermolysis Bullosa with Pyloric Atresia. Identifiers: Orphanet 158684, MedGen C2677349, MONDO:0012807, OMIM 612138.
Epidermolysis bullosa simplex 5B, with muscular dystrophy (EBS5B). Also called: EPIDERMOLYSIS BULLOSA SIMPLEX AND LIMB-GIRDLE MUSCULAR DYSTROPHY; Epidermolysis bullosa simplex with muscular dystrophy. Identifiers: Orphanet 257, MedGen C2931072, MONDO:0009181, OMIM 226670.
Epidermolysis bullosa simplex with nail dystrophy (EBS5D). Identifiers: MedGen C4225309, MONDO:0014661, OMIM 616487.
Epidermolysis bullosa simplex, Ogna type (EBS5A). Also called: EPIDERMOLYSIS BULLOSA SIMPLEX 5A, OGNA TYPE; Pidermolysis bullosa simplex 5A, Ogna type. Identifiers: Orphanet 79401, MedGen C0432317, MONDO:0007555, OMIM 131950.
Autosomal recessive limb-girdle muscular dystrophy type 2Q (LGMDR17). Also called: MUSCULAR DYSTROPHY, LIMB-GIRDLE, AUTOSOMAL RECESSIVE 17. Identifiers: Orphanet 254361, MedGen C3150989, MONDO:0013390, OMIM 613723.

Allele frequency attached by ClinVar (database versions not stated): gnomAD 0.00001; gnomAD exomes 0.00001; TOPMed 0.00001.
gnomAD v4.1: 20 of 1,611,068 alleles (0.0012%); highest among the groups gnomAD compares: Non-Finnish European, 0.0017%; no homozygotes.

Submissions (2):

Labcorp Genetics (formerly Invitae), Labcorp
Classification: Likely benign for Autosomal recessive limb-girdle muscular dystrophy type 2Q; Epidermolysis bullosa simplex, Ogna type; Epidermolysis bullosa simplex with nail dystrophy; Epidermolysis bullosa simplex 5C, with pyloric atresia; Epidermolysis bullosa simplex 5B, with muscular dystrophy. Last evaluated: 2025-09-09. Review status: criteria provided, single submitter. Criteria: Invitae Variant Classification Sherloc (09022015). Collection method: clinical testing. Allele origin: germline.

PreventionGenetics, part of Exact Sciences
Classification: Likely benign for PLEC-related condition. Last evaluated: 2020-11-20. Review status: no assertion criteria provided. Collection method: clinical testing. Allele origin: germline. Not counted in ClinVar's aggregate classification.
Comment: This variant is classified as likely benign based on ACMG/AMP sequence variant interpretation guidelines (Richards et al. 2015 PMID: 25741868, with internal and published modifications).